The following is an entry in ClinVar:

ClinVar aggregate classification (germline): Uncertain significance (1 of 4 stars; one submission).

Allele frequency attached by ClinVar (database versions not stated): ExAC 0.00033; 1000 Genomes Project 0.00040; gnomAD exomes 0.00044; 1000 Genomes Project 30x 0.00047; TOPMed 0.00055; gnomAD 0.00057; ESP Exome Variant Server 0.00069.
gnomAD v4.1: 726 of 1,603,294 alleles (0.045%); highest among the groups gnomAD compares: Admixed American, 0.086%; no homozygotes.

Submission:

Labcorp Genetics (formerly Invitae), Labcorp
Classification: Uncertain significance. Last evaluated: 2024-04-14. Review status: criteria provided, single submitter. Criteria: Invitae Variant Classification Sherloc (09022015). Collection method: clinical testing. Allele origin: germline.
Comment: This sequence change replaces threonine, which is neutral and polar, with methionine, which is neutral and non-polar, at codon 334 of the H6PD protein (p.Thr334Met). This variant is present in population databases (rs138833705, gnomAD 0.06%). This variant has not been reported in the literature in individuals affected with H6PD-related conditions. ClinVar contains an entry for this variant (Variation ID: 2079445). Advanced modeling of protein sequence and biophysical properties (such as structural, functional, and spatial information, amino acid conservation, physicochemical variation, residue mobility, and thermodynamic stability) has been performed at Invitae for this missense variant, however the output from this modeling did not meet the statistical confidence thresholds required to predict the impact of this variant on H6PD protein function. In summary, the available evidence is currently insufficient to determine the role of this variant in disease. Therefore, it has been classified as a Variant of Uncertain Significance.

NM_004285.4(H6PD):c.1001C>T (p.Thr334Met)

Gene: H6PD (hexose-6-phosphate dehydrogenase/glucose 1-dehydrogenase; plus strand). Cytogenetic location: 1p36.22.
Variant type: single nucleotide variant.
Coding change: c.1001C>T on transcript NM_004285.4 (MANE Select); coding-DNA position 1001, C replaced by T.
Protein change: p.Thr334Met; replaces threonine 334 with methionine.
Molecular consequence: missense variant.
Genome position (GRCh38, 1-based): chr1:9,262,314, C>T. VCF-style: chr1-9262314-C-T. GRCh37 (hg19) VCF-style: chr1-9322373-C-T.
Other names: c.1034C>T, p.Thr345Met (NM_001282587.2); short protein forms T334M, T345M.
Identifiers: ClinVar variation 2079445 (VCV002079445.3), dbSNP rs138833705, ClinGen allele CA575141.